The following is an entry in ClinVar:

ClinVar aggregate classification (germline): Uncertain significance. Review status: criteria provided, multiple submitters, no conflicts (2 of 4 stars). 4 submissions from 4 submitters: Uncertain significance (4). Last evaluated 2025-07-22.

Conditions:
Tuberous sclerosis 2 (TSC2). Identifiers: Orphanet 805, MedGen C1860707, MONDO:0013199, OMIM 613254.
Hereditary cancer-predisposing syndrome. Also called: Neoplastic Syndromes, Hereditary; Hereditary Cancer Syndrome; Tumor predisposition; Hereditary neoplastic syndrome. Identifiers: Orphanet 140162, MedGen C0027672, MeSH D009386, MONDO:0015356.
Tuberous sclerosis syndrome (TSC). Also called: Tuberous sclerosis; Tuberous Sclerosis Complex. Identifiers: Orphanet 805, MedGen C0041341, MONDO:0001734.

Allele frequency attached by ClinVar (database versions not stated): gnomAD 0.00001.
gnomAD v4.1: 1 of 1,614,072 alleles (0.000062%); no homozygotes.

Submissions (4):

Ambry Genetics
Classification: Uncertain significance for Hereditary cancer-predisposing syndrome. Last evaluated: 2025-07-22. Review status: criteria provided, single submitter. Criteria: Ambry Variant Classification Scheme 2023. Collection method: clinical testing. Allele origin: germline.
Comment: The p.I127M variant (also known as c.381C>G), located in coding exon 4 of the TSC2 gene, results from a C to G substitution at nucleotide position 381. The isoleucine at codon 127 is replaced by methionine, an amino acid with highly similar properties. This amino acid position is conserved. In addition, this alteration is predicted to be deleterious by in silico analysis. Based on the available evidence, the clinical significance of this variant remains unclear.

All of Us Research Program, National Institutes of Health
Classification: Uncertain significance for Tuberous sclerosis syndrome. Last evaluated: 2024-09-23. Review status: criteria provided, single submitter. Criteria: ACMG Guidelines, 2015. Collection method: clinical testing. Allele origin: germline. Inheritance: Autosomal dominant inheritance. Observed: 1 variant allele, 1 heterozygote.
Comment: This study involves interpretation of variants in research participants for the purpose of population health screening. Participant phenotype was not available at the time of variant classification. Additional details can be found in publication PMID: 35346344, PMCID: PMC8962531

Labcorp Genetics (formerly Invitae), Labcorp
Classification: Uncertain significance for Tuberous sclerosis 2. Last evaluated: 2021-06-13. Review status: criteria provided, single submitter. Criteria: Invitae Variant Classification Sherloc (09022015). Collection method: clinical testing. Allele origin: germline.
Comment: In summary, the available evidence is currently insufficient to determine the role of this variant in disease. Therefore, it has been classified as a Variant of Uncertain Significance. Advanced modeling of protein sequence and biophysical properties (such as structural, functional, and spatial information, amino acid conservation, physicochemical variation, residue mobility, and thermodynamic stability) performed at Invitae indicates that this missense variant is not expected to disrupt TSC2 protein function. This variant has not been reported in the literature in individuals with TSC2-related conditions. This variant is not present in population databases (ExAC no frequency). This sequence change replaces isoleucine with methionine at codon 127 of the TSC2 protein (p.Ile127Met). The isoleucine residue is highly conserved and there is a small physicochemical difference between isoleucine and methionine.

GeneDx
Classification: Uncertain significance. Last evaluated: 2019-10-24. Review status: criteria provided, single submitter. Criteria: GeneDx Variant Classification Process June 2021. Collection method: clinical testing. Allele origin: germline. Affected: yes.
Comment: Not observed in large population cohorts (Lek et al., 2016); In silico analysis, which includes protein predictors and evolutionary conservation, supports a deleterious effect; Has not been previously published as pathogenic or benign to our knowledge; This substitution does not occur within known functional domains of the tuberin protein, where many pathogenic missense variants have been identified (Northrup et al., 2018; Au et al., 2007)

NM_000548.5(TSC2):c.381C>G (p.Ile127Met)

Gene: TSC2 (TSC complex subunit 2; plus strand). Cytogenetic location: 16p13.3.
Variant type: single nucleotide variant.
Coding change: c.381C>G on transcript NM_000548.5 (MANE Select); coding-DNA position 381, C replaced by G.
Protein change: p.Ile127Met; replaces isoleucine 127 with methionine.
Molecular consequence: missense variant. On other transcripts: intron variant (1).
Genome position (GRCh38, 1-based): chr16:2,054,340, C>G. VCF-style: chr16-2054340-C-G. GRCh37 (hg19) VCF-style: chr16-2104341-C-G.
Other names: c.381C>G, p.Ile127Met (NM_001077183.3, NM_001114382.3, NM_001363528.2 and 3 more transcripts); c.270C>G, p.Ile90Met (NM_001318827.2); c.234C>G, p.Ile78Met (NM_001318829.2); c.414C>G, p.Ile138Met (NM_001318832.2); c.-1-1856C>G (NM_001318831.2); short protein forms I127M, I138M, I78M, I90M.
Identifiers: ClinVar variation 1309559 (VCV001309559.11), dbSNP rs2085502591, ClinGen allele CA394306802.